The following is an entry in ClinVar:

NM_001042492.3(NF1):c.2458del (p.His819_Val820insTer)

Gene: NF1 (neurofibromin 1; plus strand). Cytogenetic location: 17q11.2.
Variant type: Deletion.
Coding change: c.2458del on transcript NM_001042492.3 (MANE Select); coding-DNA position 2458, one base deleted (G; older notation c.2458delG).
Protein change: p.His819_Val820insTer.
Molecular consequence: nonsense. On other transcripts: frameshift variant (1).
Genome position (GRCh38, 1-based): chr17:31,229,073, G deleted. VCF-style (leftmost placement, unchanged base first): chr17-31229072-TG-T. GRCh37 (hg19) VCF-style: chr17-29556090-TG-T.
Other names: c.2458delG (NM_000267.3); c.2458delG, p.Val820Terfs (NM_000267.4).
Identifiers: ClinVar variation 646475 (VCV000646475.5), dbSNP rs1597715179, ClinGen allele CA915949780.

ClinVar aggregate classification (germline): Pathogenic (1 of 4 stars; one submission).

Conditions:
Neurofibromatosis, type 1 (NF1). Also called: NEUROFIBROMATOSIS, TYPE I, SOMATIC; VON RECKLINGHAUSEN DISEASE; Neurofibromatosis, type I; Peripheral type neurofibromatosis. Identifiers: Orphanet 636, MedGen C0027831, MONDO:0018975, OMIM 162200. Disease mechanism: loss of function.

Submission:

Labcorp Genetics (formerly Invitae), Labcorp
Classification: Pathogenic for Neurofibromatosis, type 1. Last evaluated: 2018-07-31. Review status: criteria provided, single submitter. Criteria: Invitae Variant Classification Sherloc (09022015). Collection method: clinical testing. Allele origin: germline.
Comment: Loss-of-function variants in NF1 are known to be pathogenic (PMID: 10712197, 23913538). For these reasons, this variant has been classified as Pathogenic. This sequence change creates a premature translational stop signal (p.Val820*) in the NF1 gene. It is expected to result in an absent or disrupted protein product. This variant is not present in population databases (ExAC no frequency). This variant has not been reported in the literature in individuals with NF1-related disease.

Literature cited by the submitters: PubMed 10712197; PubMed 23913538.